The following is an entry in ClinVar:

NM_199420.4(POLQ):c.6802C>T (p.Pro2268Ser)

Gene: POLQ (DNA polymerase theta; minus strand). Cytogenetic location: 3q13.33.
Variant type: single nucleotide variant.
Coding change: c.6802C>T on transcript NM_199420.4 (MANE Select); coding-DNA position 6802, C replaced by T.
Protein change: p.Pro2268Ser; replaces proline 2268 with serine.
Molecular consequence: missense variant.
Genome position (GRCh38, 1-based): chr3:121,468,348, G>A on the plus strand (C>T on the coding strand, the complement: POLQ is on the minus strand). VCF-style: chr3-121468348-G-A. GRCh37 (hg19) VCF-style: chr3-121187195-G-A.
Other names: short protein forms P2268S.
Identifiers: ClinVar variation 1755534 (VCV001755534.2), dbSNP rs2546770714, ClinGen allele CA354111376.

ClinVar aggregate classification (germline): Uncertain significance (1 of 4 stars; one submission).

Submission:

Ambry Genetics
Classification: Uncertain significance. Last evaluated: 2022-02-12. Review status: criteria provided, single submitter. Criteria: Ambry Variant Classification Scheme 2023. Collection method: clinical testing. Allele origin: germline.
Comment: The p.P2268S variant (also known as c.6802C>T), located in coding exon 23 of the POLQ gene, results from a C to T substitution at nucleotide position 6802. The proline at codon 2268 is replaced by serine, an amino acid with similar properties. This amino acid position is conserved. In addition, this alteration is predicted to be tolerated by in silico analysis. Since supporting evidence is limited at this time, the clinical significance of this alteration remains unclear.